The following is an entry in ClinVar:

ClinVar aggregate classification (germline): Uncertain significance (1 of 4 stars; one submission).

Conditions:
Hereditary cancer-predisposing syndrome. Also called: Hereditary Cancer Syndrome; Hereditary neoplastic syndrome; Neoplastic Syndromes, Hereditary; Tumor predisposition. Identifiers: Orphanet 140162, MedGen C0027672, MeSH D009386, MONDO:0015356.

Submission:

Ambry Genetics
Classification: Uncertain significance for Hereditary cancer-predisposing syndrome. Last evaluated: 2022-04-27. Review status: criteria provided, single submitter. Criteria: Ambry Variant Classification Scheme 2023. Collection method: clinical testing. Allele origin: germline.
Comment: The p.R456L variant (also known as c.1367G>T), located in coding exon 9 of the MEN1 gene, results from a G to T substitution at nucleotide position 1367. The arginine at codon 456 is replaced by leucine, an amino acid with dissimilar properties. This amino acid position is conserved. In addition, the in silico prediction for this alteration is inconclusive. Since supporting evidence is limited at this time, the clinical significance of this alteration remains unclear.

NM_001370259.2(MEN1):c.1367G>T (p.Arg456Leu)

Gene: MEN1 (menin 1; minus strand). Cytogenetic location: 11q13.1.
Variant type: single nucleotide variant.
Coding change: c.1367G>T on transcript NM_001370259.2 (MANE Select); coding-DNA position 1367, G replaced by T.
Protein change: p.Arg456Leu; replaces arginine 456 with leucine.
Molecular consequence: missense variant.
Genome position (GRCh38, 1-based): chr11:64,804,800, C>A on the plus strand (G>T on the coding strand, the complement: MEN1 is on the minus strand). VCF-style: chr11-64804800-C-A. GRCh37 (hg19) VCF-style: chr11-64572272-C-A.
Other names: c.1382G>T, p.Arg461Leu (NM_000244.4, NM_001407145.1, NM_130800.3 and 4 more transcripts); c.1493G>T, p.Arg498Leu (NM_001370251.2, NM_001407142.1, NM_001407143.1 and 1 more transcripts); c.1367G>T, p.Arg456Leu (NM_001370260.2, NM_001370261.2, NM_001407146.1 and 2 more transcripts); c.1262G>T, p.Arg421Leu (NM_001370262.2, NM_001370263.2, NM_001407148.1 and 1 more transcripts); c.1508G>T, p.Arg503Leu (NM_001407150.1); c.1388G>T, p.Arg463Leu (NM_001407151.1); c.1202G>T, p.Arg401Leu (NM_001407152.1); short protein forms R401L, R421L, R463L, R498L, R503L, R456L, R461L.
Identifiers: ClinVar variation 1770956 (VCV001770956.2), dbSNP rs372468697, ClinGen allele CA381179869.
Genomic context (GRCh38, chr11:64,804,800, plus strand): 5'-CGGGCTTCCTCGCCCCACGGCTCCTCGGCCTCGGCCGCCTCGGCCTCTCGGCTCACTATG[C>A]GCACCTTCTGCCGCACCTGGGCCAGTGGGGAGAGCAAGGTGAGAGCAAGGTTGCCGGCCA-3'
Protein context (NP_001357188.2, residues 446-466): RFEGQVRQKV[Arg456Leu]IVSREAEAAE